The following is an entry in ClinVar:

ClinVar aggregate classification (germline): Likely benign (0 of 4 stars; one submission).

Conditions:
ARFGEF2-related disorder. Also called: ARFGEF2-related condition.

Allele frequency attached by ClinVar (database versions not stated): gnomAD exomes below 0.00001; ExAC 0.00002; gnomAD 0.00003; TOPMed 0.00005; ESP Exome Variant Server 0.00015.
gnomAD v4.1: 10 of 1,614,108 alleles (0.00062%); highest among the groups gnomAD compares: African/African-American, 0.013%; no homozygotes.

Submission:

PreventionGenetics, part of Exact Sciences
Classification: Likely benign for ARFGEF2-related condition. Last evaluated: 2019-05-22. Review status: no assertion criteria provided. Collection method: clinical testing. Allele origin: germline.
Comment: This variant is classified as likely benign based on ACMG/AMP sequence variant interpretation guidelines (Richards et al. 2015 PMID: 25741868, with internal and published modifications).

NM_006420.3(ARFGEF2):c.5352G>A (p.Val1784=)

Gene: ARFGEF2 (ARF guanine nucleotide exchange factor 2; plus strand). Cytogenetic location: 20q13.13.
Variant type: single nucleotide variant.
Coding change: c.5352G>A on transcript NM_006420.3 (MANE Select); coding-DNA position 5352, G replaced by A.
Protein change: p.Val1784=; no amino-acid change (valine 1784 retained).
Molecular consequence: synonymous variant.
Genome position (GRCh38, 1-based): chr20:49,033,193, G>A. VCF-style: chr20-49033193-G-A. GRCh37 (hg19) VCF-style: chr20-47649730-G-A.
Other names: c.5349G>A, p.Val1783= (NM_001410846.1).
Identifiers: ClinVar variation 3039234 (VCV003039234.2), dbSNP rs140734809, ClinGen allele CA9899453.